The following is an entry in ClinVar:

ClinVar aggregate classification (germline): Uncertain significance (1 of 4 stars; one submission).

Allele frequency attached by ClinVar (database versions not stated): gnomAD exomes 0.00006; TOPMed 0.00006; gnomAD 0.00007; 1000 Genomes Project 0.00020; ExAC 0.00021; 1000 Genomes Project 30x 0.00031.
gnomAD v4.1: 106 of 1,612,822 alleles (0.0066%); highest among the groups gnomAD compares: South Asian, 0.0099%; 1 homozygote.

Submission:

Labcorp Genetics (formerly Invitae), Labcorp
Classification: Uncertain significance. Last evaluated: 2025-12-24. Review status: criteria provided, single submitter. Criteria: Invitae Variant Classification Sherloc (09022015). Collection method: clinical testing. Allele origin: germline.
Comment: This sequence change replaces arginine, which is basic and polar, with histidine, which is basic and polar, at codon 229 of the RFX6 protein (p.Arg229His). This variant is present in population databases (rs188277006, gnomAD 0.02%). This variant has not been reported in the literature in individuals affected with RFX6-related conditions. ClinVar contains an entry for this variant (Variation ID: 2416710). Invitae Evidence Modeling of protein sequence and biophysical properties (such as structural, functional, and spatial information, amino acid conservation, physicochemical variation, residue mobility, and thermodynamic stability) indicates that this missense variant is expected to disrupt RFX6 protein function with a positive predictive value of 80%. In summary, the available evidence is currently insufficient to determine the role of this variant in disease. Therefore, it has been classified as a Variant of Uncertain Significance.

NM_173560.4(RFX6):c.686G>A (p.Arg229His)

Gene: RFX6 (regulatory factor X6; plus strand). Cytogenetic location: 6q22.1.
Variant type: single nucleotide variant.
Coding change: c.686G>A on transcript NM_173560.4 (MANE Select); coding-DNA position 686, G replaced by A.
Protein change: p.Arg229His; replaces arginine 229 with histidine.
Molecular consequence: missense variant.
Genome position (GRCh38, 1-based): chr6:116,910,948, G>A. VCF-style: chr6-116910948-G-A. GRCh37 (hg19) VCF-style: chr6-117232111-G-A.
Other names: short protein forms R229H.
Identifiers: ClinVar variation 2416710 (VCV002416710.4), dbSNP rs188277006, ClinGen allele CA3973116.